The following is an entry in ClinVar:

ClinVar aggregate classification (germline): Uncertain significance. Review status: criteria provided, multiple submitters, no conflicts (2 of 4 stars). 2 submissions from 2 submitters: Uncertain significance (2). Last evaluated 2024-05-18.

Conditions:
Stüve-Wiedemann syndrome 1. Also called: STUVE-WIEDEMANN/SCHWARTZ-JAMPEL TYPE 2 SYNDROME. Identifiers: Orphanet 3206, MedGen C5676888, MONDO:0800043, OMIM 601559.

gnomAD v4.1: 9 of 1,613,990 alleles (0.00056%); highest among the groups gnomAD compares: Non-Finnish European, 0.00076%; no homozygotes.

Submissions (2):

Fulgent Genetics
Classification: Uncertain significance for Stüve-Wiedemann syndrome 1. Last evaluated: 2024-05-18. Review status: criteria provided, single submitter. Criteria: ACMG Guidelines, 2015. Collection method: clinical testing. Allele origin: germline.

Labcorp Genetics (formerly Invitae), Labcorp
Classification: Uncertain significance. Last evaluated: 2022-06-23. Review status: criteria provided, single submitter. Criteria: Invitae Variant Classification Sherloc (09022015). Collection method: clinical testing. Allele origin: germline.
Comment: Algorithms developed to predict the effect of sequence changes on RNA splicing suggest that this variant may disrupt the consensus splice site. In summary, the available evidence is currently insufficient to determine the role of this variant in disease. Therefore, it has been classified as a Variant of Uncertain Significance. This variant has not been reported in the literature in individuals affected with LIFR-related conditions. This variant is present in population databases (no rsID available, gnomAD 0.0009%). This sequence change falls in intron 17 of the LIFR gene. It does not directly change the encoded amino acid sequence of the LIFR protein.

NM_001127671.2(LIFR):c.2497+14T>A

Gene: LIFR (LIF receptor subunit alpha; minus strand). Cytogenetic location: 5p13.1.
Variant type: single nucleotide variant.
Coding change: c.2497+14T>A on transcript NM_001127671.2 (MANE Select); 14 bases into the intron after coding-DNA position 2497, T replaced by A.
Molecular consequence: intron variant.
Genome position (GRCh38, 1-based): chr5:38,485,805, A>T on the plus strand (T>A on the coding strand, the complement: LIFR is on the minus strand). VCF-style: chr5-38485805-A-T. GRCh37 (hg19) VCF-style: chr5-38485907-A-T.
Other names: c.2497+14T>A (NM_002310.6, NM_001364298.2, NM_001364297.2).
Identifiers: ClinVar variation 2201918 (VCV002201918.5), dbSNP rs541984532, ClinGen allele CA559046997.